The following is an entry in ClinVar:

NM_015978.3(TNNI3K):c.1415-1G>A

Genes: FPGT-TNNI3K (FPGT-TNNI3K readthrough; plus strand), TNNI3K (TNNI3 interacting kinase; plus strand). Cytogenetic location: 1p31.1.
Variant type: single nucleotide variant.
Coding change: c.1415-1G>A on transcript NM_015978.3 (MANE Select); the canonical splice acceptor site of the intron before coding-DNA position 1415, G replaced by A.
Molecular consequence: splice acceptor variant.
Genome position (GRCh38, 1-based): chr1:74,369,206, G>A. VCF-style: chr1-74369206-G-A. GRCh37 (hg19) VCF-style: chr1-74834890-G-A.
Other names: c.1718-1G>A (NM_001112808.3, NM_001199327.2); c.1415-1G>A (NM_015978.2).
Identifiers: ClinVar variation 1517479 (VCV001517479.8), dbSNP rs754045949, ClinGen allele CA909283.

ClinVar aggregate classification (germline): Uncertain significance. Review status: criteria provided, multiple submitters, no conflicts (2 of 4 stars). 2 submissions from 2 submitters: Uncertain significance (2). Last evaluated 2025-12-26.

Conditions:
Cardiovascular phenotype. Identifiers: MedGen CN230736.

Allele frequency attached by ClinVar (database versions not stated): TOPMed 0.00001; gnomAD 0.00003 and 0.00004; gnomAD exomes 0.00004; ExAC 0.00006.
gnomAD v4.1: 39 of 1,609,682 alleles (0.0024%); highest among the groups gnomAD compares: Middle Eastern, 0.05%; 1 homozygote.

Submissions (2):

Labcorp Genetics (formerly Invitae), Labcorp
Classification: Uncertain significance. Last evaluated: 2025-12-26. Review status: criteria provided, single submitter. Criteria: Invitae Variant Classification Sherloc (09022015). Collection method: clinical testing. Allele origin: germline.
Comment: This sequence change affects an acceptor splice site in intron 14 of the TNNI3K gene. It is expected to disrupt RNA splicing. Variants that disrupt the donor or acceptor splice site typically lead to a loss of protein function (PMID: 16199547), however the current clinical and genetic evidence is not sufficient to establish whether loss-of-function variants in TNNI3K cause disease. This variant is present in population databases (rs754045949, gnomAD 0.02%). This variant has not been reported in the literature in individuals affected with TNNI3K-related conditions. ClinVar contains an entry for this variant (Variation ID: 1517479). Algorithms developed to predict the effect of sequence changes on RNA splicing suggest that this variant may disrupt the consensus splice site. In summary, the available evidence is currently insufficient to determine the role of this variant in disease. Therefore, it has been classified as a Variant of Uncertain Significance.

Molecular Diagnostic Laboratory for Inherited Cardiovascular Disease, Montreal Heart Institute
Classification: Uncertain significance for Cardiovascular phenotype. Last evaluated: 2025-04-09. Review status: criteria provided, single submitter. Criteria: ACMG Guidelines, 2015. Collection method: clinical testing. Allele origin: germline. Affected: yes.

Literature cited by the submitters: PubMed 16199547 (cited by Labcorp Genetics (formerly Invitae), Labcorp).